The following is an entry in ClinVar:

NM_001330588.2(TPP2):c.3734C>G (p.Ser1245Cys)

Gene: TPP2 (tripeptidyl peptidase 2; plus strand). Cytogenetic location: 13q33.1.
Variant type: single nucleotide variant.
Coding change: c.3734C>G on transcript NM_001330588.2 (MANE Select); coding-DNA position 3734, C replaced by G.
Protein change: p.Ser1245Cys; replaces serine 1245 with cysteine.
Molecular consequence: missense variant. On other transcripts: non-coding transcript variant (1).
Genome position (GRCh38, 1-based): chr13:102,678,261, C>G. VCF-style: chr13-102678261-C-G. GRCh37 (hg19) VCF-style: chr13-103330611-C-G.
Other names: c.3821C>G, p.Ser1274Cys (NM_001367947.1); c.3695C>G, p.Ser1232Cys (NM_003291.4); short protein forms S1232C, S1245C, S1274C.
Identifiers: ClinVar variation 1024025 (VCV001024025.8), dbSNP rs779523978, ClinGen allele CA7038346.
Genomic context (GRCh38, chr13:102,678,261, plus strand): 5'-TAATATATTATTGTATTTTGTTGTAGCTGATGAAGTTACTTGGATGGACCCATTGTGCAT[C>G]TTTTACTGAAAACTGGCTCCCCATCATGTATCCTCCCGATTATTGCGTATTCTAAAATAG-3'
Protein context (NP_001317517.1, residues 1235-1255): MKLLGWTHCA[Ser1245Cys]FTENWLPIMY

ClinVar aggregate classification (germline): Uncertain significance (1 of 4 stars; one submission).

Conditions:
Evans syndrome, immunodeficiency, and premature immunosenescence associated with tripeptidyl-peptidase II deficiency. Identifiers: MedGen CN231723. Disease mechanism: loss of function.

Allele frequency attached by ClinVar (database versions not stated): TOPMed below 0.00001; gnomAD exomes 0.00001; ExAC 0.00002.
gnomAD v4.1: 4 of 1,613,696 alleles (0.00025%); highest among the groups gnomAD compares: Non-Finnish European, 0.00034%; no homozygotes.

Submission:

Labcorp Genetics (formerly Invitae), Labcorp
Classification: Uncertain significance for Evans syndrome, immunodeficiency, and premature immunosenescence associated with tripeptidyl-peptidase II deficiency. Last evaluated: 2021-07-22. Review status: criteria provided, single submitter. Criteria: Invitae Variant Classification Sherloc (09022015). Collection method: clinical testing. Allele origin: germline.
Comment: This sequence change replaces serine with cysteine at codon 1232 of the TPP2 protein (p.Ser1232Cys). The serine residue is moderately conserved and there is a moderate physicochemical difference between serine and cysteine. This variant is present in population databases (rs779523978, ExAC 0.005%). This variant has not been reported in the literature in individuals with TPP2-related conditions. Algorithms developed to predict the effect of missense changes on protein structure and function are either unavailable or do not agree on the potential impact of this missense change (SIFT: "Deleterious"; PolyPhen-2: "Benign"; Align-GVGD: "Class C0"). In summary, the available evidence is currently insufficient to determine the role of this variant in disease. Therefore, it has been classified as a Variant of Uncertain Significance.